The following is an entry in ClinVar:

NM_014806.5(RUSC2):c.1967G>T (p.Ser656Ile)

Gene: RUSC2 (RUN and SH3 domain containing 2; plus strand). Cytogenetic location: 9p13.3.
Variant type: single nucleotide variant.
Coding change: c.1967G>T on transcript NM_014806.5 (MANE Select); coding-DNA position 1967, G replaced by T.
Protein change: p.Ser656Ile; replaces serine 656 with isoleucine.
Molecular consequence: missense variant. On other transcripts: intron variant (1).
Genome position (GRCh38, 1-based): chr9:35,548,488, G>T. VCF-style: chr9-35548488-G-T. GRCh37 (hg19) VCF-style: chr9-35548485-G-T.
Other names: c.1967G>T, p.Ser656Ile (NM_001135999.2); c.-620-6572G>T (NM_001330740.2); c.1967G>T (NM_001135999.1); short protein forms S656I.
Identifiers: ClinVar variation 1434279 (VCV001434279.6), dbSNP rs147102296, ClinGen allele CA5043762.

ClinVar aggregate classification (germline): Uncertain significance. Review status: criteria provided, multiple submitters, no conflicts (2 of 4 stars). 2 submissions from 2 submitters: Uncertain significance (2). Last evaluated 2025-04-29.

Allele frequency attached by ClinVar (database versions not stated): gnomAD 0.00003 and 0.00004; TOPMed 0.00002; ESP Exome Variant Server 0.00023.
gnomAD v4.1: 73 of 1,613,550 alleles (0.0045%); highest among the groups gnomAD compares: Non-Finnish European, 0.006%; no homozygotes.

Submissions (2):

Ambry Genetics
Classification: Uncertain significance. Last evaluated: 2025-04-29. Review status: criteria provided, single submitter. Criteria: Ambry Variant Classification Scheme 2023. Collection method: clinical testing. Allele origin: germline.

Labcorp Genetics (formerly Invitae), Labcorp
Classification: Uncertain significance. Last evaluated: 2023-07-17. Review status: criteria provided, single submitter. Criteria: Invitae Variant Classification Sherloc (09022015). Collection method: clinical testing. Allele origin: germline.
Comment: This sequence change replaces serine, which is neutral and polar, with isoleucine, which is neutral and non-polar, at codon 656 of the RUSC2 protein (p.Ser656Ile). This variant is present in population databases (rs147102296, gnomAD 0.004%). This variant has not been reported in the literature in individuals affected with RUSC2-related conditions. ClinVar contains an entry for this variant (Variation ID: 1434279). Algorithms developed to predict the effect of missense changes on protein structure and function output the following: SIFT: "Not Available"; PolyPhen-2: "Benign"; Align-GVGD: "Not Available". The isoleucine amino acid residue is found in multiple mammalian species, which suggests that this missense change does not adversely affect protein function. In summary, the available evidence is currently insufficient to determine the role of this variant in disease. Therefore, it has been classified as a Variant of Uncertain Significance.